The following is an entry in ClinVar:

NM_001042492.3(NF1):c.7906C>G (p.Gln2636Glu)

Gene: NF1 (neurofibromin 1; plus strand). Cytogenetic location: 17q11.2.
Variant type: single nucleotide variant.
Coding change: c.7906C>G on transcript NM_001042492.3 (MANE Select); coding-DNA position 7906, C replaced by G.
Protein change: p.Gln2636Glu; replaces glutamine 2636 with glutamic acid.
Molecular consequence: missense variant.
Genome position (GRCh38, 1-based): chr17:31,357,305, C>G. VCF-style: chr17-31357305-C-G. GRCh37 (hg19) VCF-style: chr17-29684323-C-G.
Other names: c.7843C>G, p.Gln2615Glu (NM_000267.4); short protein forms Q2615E, Q2636E.
Identifiers: ClinVar variation 2887643 (VCV002887643.4), dbSNP rs567988442, ClinGen allele CA399203432.

ClinVar aggregate classification (germline): Uncertain significance. Review status: criteria provided, multiple submitters, no conflicts (2 of 4 stars). 2 submissions from 2 submitters: Uncertain significance (2). Last evaluated 2025-07-28.

Conditions:
Neurofibromatosis, type 1 (NF1). Also called: Neurofibromatosis, type I; VON RECKLINGHAUSEN DISEASE; Peripheral type neurofibromatosis; NEUROFIBROMATOSIS, TYPE I, SOMATIC. Identifiers: Orphanet 636, MedGen C0027831, MONDO:0018975, OMIM 162200. Disease mechanism: loss of function.
Hereditary cancer-predisposing syndrome. Also called: Neoplastic Syndromes, Hereditary; Tumor predisposition; Hereditary neoplastic syndrome; Hereditary Cancer Syndrome. Identifiers: Orphanet 140162, MedGen C0027672, MeSH D009386, MONDO:0015356.
Cardiovascular phenotype. Identifiers: MedGen CN230736.

Submissions (2):

Ambry Genetics
Classification: Uncertain significance for Cardiovascular phenotype; Hereditary cancer-predisposing syndrome. Last evaluated: 2025-07-28. Review status: criteria provided, single submitter. Criteria: Ambry Variant Classification Scheme 2023. Collection method: clinical testing. Allele origin: germline.
Comment: The p.Q2615E variant (also known as c.7843C>G), located in coding exon 53 of the NF1 gene, results from a C to G substitution at nucleotide position 7843. The glutamine at codon 2615 is replaced by glutamic acid, an amino acid with highly similar properties. This amino acid position is conserved. In addition, the in silico prediction for this alteration is inconclusive. Based on the available evidence, the clinical significance of this variant remains unclear.

Labcorp Genetics (formerly Invitae), Labcorp
Classification: Uncertain significance for Neurofibromatosis, type 1. Last evaluated: 2023-09-08. Review status: criteria provided, single submitter. Criteria: Invitae Variant Classification Sherloc (09022015). Collection method: clinical testing. Allele origin: germline.
Comment: This variant is not present in population databases (gnomAD no frequency). In summary, the available evidence is currently insufficient to determine the role of this variant in disease. Therefore, it has been classified as a Variant of Uncertain Significance. Advanced modeling of protein sequence and biophysical properties (such as structural, functional, and spatial information, amino acid conservation, physicochemical variation, residue mobility, and thermodynamic stability) performed at Invitae indicates that this missense variant is not expected to disrupt NF1 protein function. This variant has not been reported in the literature in individuals affected with NF1-related conditions. This sequence change replaces glutamine, which is neutral and polar, with glutamic acid, which is acidic and polar, at codon 2615 of the NF1 protein (p.Gln2615Glu).